The following is an entry in ClinVar:

NM_018238.4(AGK):c.589-18A>G

Gene: AGK (acylglycerol kinase; plus strand). Cytogenetic location: 7q34.
Variant type: single nucleotide variant.
Coding change: c.589-18A>G on transcript NM_018238.4 (MANE Select); 18 bases into the intron before coding-DNA position 589, A replaced by G.
Molecular consequence: intron variant.
Genome position (GRCh38, 1-based): chr7:141,633,883, A>G. VCF-style: chr7-141633883-A-G. GRCh37 (hg19) VCF-style: chr7-141333683-A-G.
Other names: c.589-18A>G (NM_001364948.3).
Identifiers: ClinVar variation 390400 (VCV000390400.1), dbSNP rs528143883, ClinGen allele CA16605694.

ClinVar aggregate classification (germline): Likely benign (1 of 4 stars; one submission).

Allele frequency attached by ClinVar (database versions not stated): gnomAD exomes 0.00001; gnomAD 0.00002; TOPMed 0.00002.
gnomAD v4.1: 22 of 1,605,084 alleles (0.0014%); highest among the groups gnomAD compares: Non-Finnish European, 0.0019%; no homozygotes.

Submission:

GeneDx
Classification: Likely benign. Last evaluated: 2016-11-04. Review status: criteria provided, single submitter. Criteria: GeneDx Variant Classification (06012015). Collection method: clinical testing. Allele origin: germline. Affected: yes.
Comment: This variant is considered likely benign or benign based on one or more of the following criteria: it is a conservative change, it occurs at a poorly conserved position in the protein, it is predicted to be benign by multiple in silico algorithms, and/or has population frequency not consistent with disease.